The following is an entry in ClinVar:

ClinVar aggregate classification (germline): Uncertain significance (1 of 4 stars; one submission).

Conditions:
Hereditary cancer-predisposing syndrome. Also called: Neoplastic Syndromes, Hereditary; Tumor predisposition; Hereditary neoplastic syndrome; Hereditary Cancer Syndrome. Identifiers: Orphanet 140162, MedGen C0027672, MeSH D009386, MONDO:0015356.

Submission:

Ambry Genetics
Classification: Uncertain significance for Hereditary cancer-predisposing syndrome. Last evaluated: 2024-02-28. Review status: criteria provided, single submitter. Criteria: Ambry Variant Classification Scheme 2023. Collection method: clinical testing. Allele origin: germline.
Comment: The p.W194R variant (also known as c.580T>C), located in coding exon 5 of the POT1 gene, results from a T to C substitution at nucleotide position 580. The tryptophan at codon 194 is replaced by arginine, an amino acid with dissimilar properties. This amino acid position is conserved. In addition, the in silico prediction for this alteration is inconclusive. Based on the available evidence, the clinical significance of this alteration remains unclear.

NM_015450.3(POT1):c.580T>C (p.Trp194Arg)

Gene: POT1 (protection of telomeres 1; minus strand). Cytogenetic location: 7q31.33.
Variant type: single nucleotide variant.
Coding change: c.580T>C on transcript NM_015450.3 (MANE Select); coding-DNA position 580, T replaced by C.
Protein change: p.Trp194Arg; replaces tryptophan 194 with arginine.
Molecular consequence: missense variant. On other transcripts: non-coding transcript variant (3).
Genome position (GRCh38, 1-based): chr7:124,859,079, A>G on the plus strand (T>C on the coding strand, the complement: POT1 is on the minus strand). VCF-style: chr7-124859079-A-G. GRCh37 (hg19) VCF-style: chr7-124499133-A-G.
Other names: c.187T>C, p.Trp63Arg (NM_001042594.2); short protein forms W194R, W63R.
Identifiers: ClinVar variation 3226682 (VCV003226682.1), dbSNP rs2485463982, ClinGen allele CA369056738.